The following is an entry in ClinVar:

NM_003839.4(TNFRSF11A):c.6C>G (p.Ala2=)

Genes: TNFRSF11A (TNF receptor superfamily member 11a; plus strand), LOC130062628 (ATAC-STARR-seq lymphoblastoid silent region 9505; plus strand). Cytogenetic location: 18q21.33.
Variant type: single nucleotide variant.
Coding change: c.6C>G on transcript NM_003839.4 (MANE Select); coding-DNA position 6, C replaced by G.
Protein change: p.Ala2=; no amino-acid change (alanine 2 retained).
Molecular consequence: synonymous variant.
Genome position (GRCh38, 1-based): chr18:62,325,358, C>G. VCF-style: chr18-62325358-C-G. GRCh37 (hg19) VCF-style: chr18-59992591-C-G.
Other names: c.6C>G, p.Ala2= (NM_001270949.2, NM_001270950.2, NM_001270951.2 and 1 more transcripts).
Identifiers: ClinVar variation 193260 (VCV000193260.18), dbSNP rs35589394, ClinGen allele CA200450.

ClinVar aggregate classification (germline): Benign. Review status: criteria provided, multiple submitters, no conflicts (2 of 4 stars). 5 submissions from 4 submitters: Benign (5). Last evaluated 2026-02-03.

Conditions:
Paget disease of bone 2, early-onset (PDB2). Also called: Paget disease of bone 2. Identifiers: MedGen C4085251, MONDO:0011183, OMIM 602080.
Autosomal recessive osteopetrosis 7. Identifiers: Orphanet 178389, MedGen C2676766, MONDO:0012859, OMIM 612301.

Allele frequency attached by ClinVar (database versions not stated): gnomAD 0.01059 and 0.01179; TOPMed 0.01666; 1000 Genomes Project 30x 0.03154; 1000 Genomes Project 0.03235; gnomAD exomes 0.00098 and 0.00758.
gnomAD v4.1: 2,867 of 1,026,484 alleles (0.28%); highest among the groups gnomAD compares: East Asian, 9.2%; 148 homozygotes.

Submissions (5):

Labcorp Genetics (formerly Invitae), Labcorp
Classification: Benign. Last evaluated: 2026-02-03. Review status: criteria provided, single submitter. Criteria: Invitae Variant Classification Sherloc (09022015). Collection method: clinical testing. Allele origin: germline.

Illumina Laboratory Services, Illumina
Classification: Benign for Paget disease of bone 2, early-onset. Last evaluated: 2018-01-13. Review status: criteria provided, single submitter. Criteria: ICSL Variant Classification Criteria 13 December 2019. Collection method: clinical testing. Allele origin: germline.
Comment: This variant was observed in the ICSL laboratory as part of a predisposition screen in an ostensibly healthy population. It had not been previously curated by ICSL or reported in the Human Gene Mutation Database (HGMD: prior to June 1st, 2018), and was therefore a candidate for classification through an automated scoring system. Utilizing variant allele frequency, disease prevalence and penetrance estimates, and inheritance mode, an automated score was calculated to assess if this variant is too frequent to cause the disease. Based on the score and internal cut-off values, a variant classified as benign is not then subjected to further curation. The score for this variant resulted in a classification of benign for this disease.

Illumina Laboratory Services, Illumina
Classification: Benign for Autosomal recessive osteopetrosis 7. Last evaluated: 2018-01-13. Review status: criteria provided, single submitter. Criteria: ICSL Variant Classification Criteria 13 December 2019. Collection method: clinical testing. Allele origin: germline.
Comment: the same text as in the submission from Illumina Laboratory Services, Illumina above.

Eurofins Ntd Llc (ga)
Classification: Benign. Last evaluated: 2016-10-13. Review status: criteria provided, single submitter. Criteria: EGL Classification Definitions 2015. Collection method: clinical testing. Allele origin: germline. Observed: 10 variant alleles, 9 heterozygotes, 1 homozygote.

Breakthrough Genomics
Classification: Benign. Review status: criteria provided, single submitter. Criteria: ACMG Guidelines, 2015. Collection method: not provided. Allele origin: germline. Inheritance: Autosomal recessive inheritance. Affected: yes.